The following is an entry in ClinVar:

ClinVar aggregate classification (germline): Likely pathogenic (1 of 4 stars; one submission).

Submission:

Athena Diagnostics
Classification: Likely pathogenic. Last evaluated: 2024-11-11. Review status: criteria provided, single submitter. Criteria: Athena Diagnostics Criteria. Collection method: clinical testing. Allele origin: unknown.
Comment: This duplication is likely inserted in tandem with the original copy (PMID: 25640679) and result in the loss of a functional protein in a gene for which loss of function is associated with disease. Similar variants have not been reported in large, multi-ethnic general populations. A similar duplication of exons 53-59 has been identified in at least one individual with clinical features associated with this gene.

NM_004006.2:c.7661_8937dup

Gene: DMD (dystrophin; minus strand).
Variant type: Duplication.
Identifiers: ClinVar variation 3571472 (VCV003571472.1).